The following is an entry in ClinVar:

ClinVar aggregate classification (germline): Uncertain significance. Review status: criteria provided, multiple submitters, no conflicts (2 of 4 stars). 3 submissions from 3 submitters: Uncertain significance (3). Last evaluated 2025-11-25.

Conditions:
Hypercholesterolemia, autosomal dominant, 3 (FHCL3). Also called: Familial Hypercholesterolemia, Autosomal Dominant, 3; PCSK9-Related Familial Hypercholesterolemia, Autosomal Dominant; Familial hypercholesterolemia 3. Identifiers: MedGen C1863551, MONDO:0011369, OMIM 603776.
Cardiovascular phenotype. Identifiers: MedGen CN230736.

Allele frequency attached by ClinVar (database versions not stated): gnomAD exomes below 0.00001; gnomAD 0.00003; TOPMed 0.00003; 1000 Genomes Project 30x 0.00016; 1000 Genomes Project 0.00020.
gnomAD v4.1: 5 of 1,568,296 alleles (0.00032%); highest among the groups gnomAD compares: African/African-American, 0.0054%; no homozygotes.

Submissions (3):

Ambry Genetics
Classification: Uncertain significance for Cardiovascular phenotype. Last evaluated: 2025-11-25. Review status: criteria provided, single submitter. Criteria: Ambry Variant Classification Scheme 2023. Collection method: clinical testing. Allele origin: germline.
Comment: The p.A28T variant (also known as c.82G>A), located in coding exon 1 of the PCSK9 gene, results from a G to A substitution at nucleotide position 82. The alanine at codon 28 is replaced by threonine, an amino acid with similar properties. This amino acid position is conserved. In addition, this alteration is predicted to be tolerated by in silico analysis. Based on the available evidence, the clinical significance of this variant remains unclear.

Women's Health and Genetics/Laboratory Corporation of America, LabCorp
Classification: Uncertain significance. Last evaluated: 2025-11-05. Review status: criteria provided, single submitter. Criteria: LabCorp Variant Classification Summary - May 2015. Collection method: clinical testing. Allele origin: germline.

All of Us Research Program, National Institutes of Health
Classification: Uncertain significance for Hypercholesterolemia, autosomal dominant, 3. Last evaluated: 2024-08-13. Review status: criteria provided, single submitter. Criteria: ACMG Guidelines, 2015. Collection method: clinical testing. Allele origin: germline. Inheritance: Autosomal dominant inheritance. Observed: 4 variant alleles, 4 heterozygotes.
Comment: This missense variant replaces alanine with threonine at codon 28 of the PCSK9 protein. Computational prediction suggests that this variant may not impact protein structure and function (internally defined REVEL score threshold <= 0.5, PMID: 27666373). To our knowledge, functional studies have not been reported for this variant. This variant has not been reported in individuals affected with PCSK9-related disorders in the literature. This variant has been identified in 1/207394 chromosomes in the general population by the Genome Aggregation Database (gnomAD). The available evidence is insufficient to determine the role of this variant in disease conclusively. Therefore, this variant is classified as a Variant of Uncertain Significance.

This study involves interpretation of variants in research participants for the purpose of population health screening. Participant phenotype was not available at the time of variant classification. Additional details can be found in publication PMID: 35346344, PMCID: PMC8962531

NM_174936.4(PCSK9):c.82G>A (p.Ala28Thr)

Gene: PCSK9 (proprotein convertase subtilisin/kexin type 9; plus strand). Cytogenetic location: 1p32.3.
Variant type: single nucleotide variant.
Coding change: c.82G>A on transcript NM_174936.4 (MANE Select); coding-DNA position 82, G replaced by A.
Protein change: p.Ala28Thr; replaces alanine 28 with threonine.
Molecular consequence: missense variant. On other transcripts: 5 prime UTR variant (1), non-coding transcript variant (8).
Genome position (GRCh38, 1-based): chr1:55,039,919, G>A. VCF-style: chr1-55039919-G-A. GRCh37 (hg19) VCF-style: chr1-55505592-G-A.
Other names: c.82G>A, p.Ala28Thr (NM_001407240.1, NM_001407241.1, NM_001407242.1 and 4 more transcripts); c.-653G>A (NM_001407246.1); short protein forms A28T.
Identifiers: ClinVar variation 3071855 (VCV003071855.4), dbSNP rs547860327, ClinGen allele CA044814.
Genomic context (GRCh38, chr1:55,039,919, plus strand): 5'-CGGTCCTGGTGGCCGCTGCCACTGCTGCTGCTGCTGCTGCTGCTCCTGGGTCCCGCGGGC[G>A]CCCGTGCGCAGGAGGACGAGGACGGCGACTACGAGGAGCTGGTGCTAGCCTTGCGTTCCG-3'
Protein context (NP_777596.2, residues 18-38): LLLLLLGPAG[Ala28Thr]RAQEDEDGDY